The following is an entry in ClinVar:

ClinVar aggregate classification (germline): Conflicting classifications of pathogenicity. Review status: criteria provided, conflicting classifications (1 of 4 stars). 7 submissions from 7 submitters: Likely pathogenic (1); Uncertain significance (6). Last evaluated 2026-08-25.

Conditions:
Bardet-Biedl syndrome (BBS). Identifiers: Orphanet 110, MedGen C0752166, MONDO:0015229.
Short-rib thoracic dysplasia 10 with or without polydactyly (SRTD10). Identifiers: Orphanet 474, MedGen C3810175, MONDO:0014284, OMIM 615630.
Bardet-Biedl syndrome 20. Identifiers: MedGen C4310707, MONDO:0023670, OMIM 619471, MONDO:0014926.
Retinitis pigmentosa 71 (RP71). Identifiers: Orphanet 791, MedGen C4225342, MONDO:0014618, OMIM 616394.
IFT172-related disorder. Also called: IFT172-related condition; IFT172-related disorders.

Allele frequency attached by ClinVar (database versions not stated): gnomAD 0.00003 and 0.00005; TOPMed 0.00003; gnomAD exomes 0.00008 and 0.00010; ExAC 0.00010; 1000 Genomes Project 30x 0.00016; 1000 Genomes Project 0.00020.
gnomAD v4.1: 128 of 1,609,474 alleles (0.008%); highest among the groups gnomAD compares: Middle Eastern, 0.12%; 1 homozygote.

Submissions (7):

PreventionGenetics, part of Exact Sciences
Classification: Uncertain significance for IFT172-related condition. Last evaluated: 2026-08-25. Review status: criteria provided, single submitter. Criteria: ACMG Guidelines, 2015. Collection method: clinical testing. Allele origin: germline.
Comment: The IFT172 c.986C>T variant is predicted to result in the amino acid substitution p.Thr329Met. This variant was reported in the heterozygous state with variants in the BBS1 and TRIM32 genes in an individual with Bardet-Biedl syndrome (Gnanasekaran et al. 2023. PubMed ID: 37431782). This variant is reported in 0.056% of alleles in individuals of South Asian descent in gnomAD and has conflicting interpretations regarding its pathogenicity in ClinVar, ranging from uncertain to likely pathogenic (Variation: 1213851). At this time, the clinical significance of this variant is uncertain due to the absence of conclusive functional and genetic evidence.

Labcorp Genetics (formerly Invitae), Labcorp
Classification: Uncertain significance for Retinitis pigmentosa 71; Short-rib thoracic dysplasia 10 with or without polydactyly. Last evaluated: 2026-01-14. Review status: criteria provided, single submitter. Criteria: Invitae Variant Classification Sherloc (09022015). Collection method: clinical testing. Allele origin: germline.
Comment: This sequence change replaces threonine, which is neutral and polar, with methionine, which is neutral and non-polar, at codon 329 of the IFT172 protein (p.Thr329Met). This variant is present in population databases (rs568736482, gnomAD 0.06%). This missense change has been observed in individual(s) with Bardet-Biedl syndrome (PMID: 37431782). ClinVar contains an entry for this variant (Variation ID: 1213851). Invitae Evidence Modeling of protein sequence and biophysical properties (such as structural, functional, and spatial information, amino acid conservation, physicochemical variation, residue mobility, and thermodynamic stability) has been performed for this missense variant. However, the output from this modeling did not meet the statistical confidence thresholds required to predict the impact of this variant on IFT172 protein function. In summary, the available evidence is currently insufficient to determine the role of this variant in disease. Therefore, it has been classified as a Variant of Uncertain Significance.

Blueprint Genetics
Classification: Uncertain significance. Last evaluated: 2024-10-25. Review status: criteria provided, single submitter. Criteria: ACMG Guidelines, 2015. Collection method: clinical testing. Allele origin: germline.

Fulgent Genetics
Classification: Uncertain significance for Short-rib thoracic dysplasia 10 with or without polydactyly; Retinitis pigmentosa 71; Bardet-Biedl syndrome 20. Last evaluated: 2024-02-16. Review status: criteria provided, single submitter. Criteria: ACMG Guidelines, 2015. Collection method: clinical testing. Allele origin: germline.

DBGen Ocular Genomics
Classification: Uncertain significance for Retinitis pigmentosa 71. Last evaluated: 2021-06-16. Review status: criteria provided, single submitter. Criteria: ACMG Guidelines, 2015. Collection method: clinical testing. Allele origin: germline. Affected: yes. Observed: 1 variant allele.

Breakthrough Genomics
Classification: Uncertain significance. Review status: criteria provided, single submitter. Criteria: ACMG Guidelines, 2015. Collection method: not provided. Allele origin: germline. Inheritance: Autosomal recessive inheritance. Affected: yes.

SN ONGC Dept of Genetics and Molecular biology Vision Research Foundation
Classification: Likely pathogenic for Bardet-Biedl syndrome. Review status: criteria provided, single submitter. Criteria: ACMG Guidelines, 2015. Collection method: research. Allele origin: biparental. Affected: yes. Observed: 1 heterozygote.
Comment: This variant was observed in trigenic inheritance with the variants NC_000011.9:g.66278507dup and NC_000009.11:g.119460391C>T.

Literature cited by the submitters: PubMed 37431782 (cited by Labcorp Genetics (formerly Invitae), Labcorp).

NM_015662.3(IFT172):c.986C>T (p.Thr329Met)

Gene: IFT172 (intraflagellar transport 172; minus strand). Cytogenetic location: 2p23.3.
Variant type: single nucleotide variant.
Coding change: c.986C>T on transcript NM_015662.3 (MANE Select); coding-DNA position 986, C replaced by T.
Protein change: p.Thr329Met; replaces threonine 329 with methionine.
Molecular consequence: missense variant.
Genome position (GRCh38, 1-based): chr2:27,479,528, G>A on the plus strand (C>T on the coding strand, the complement: IFT172 is on the minus strand). VCF-style: chr2-27479528-G-A. GRCh37 (hg19) VCF-style: chr2-27702395-G-A.
Other names: c.986C>T (NM_015662.2); short protein forms T329M.
Identifiers: ClinVar variation 1213851 (VCV001213851.13), dbSNP rs568736482, ClinGen allele CA1580809.